The following is an entry in ClinVar:

ClinVar aggregate classification (germline): Uncertain significance. Review status: criteria provided, multiple submitters, no conflicts (2 of 4 stars). 2 submissions from 2 submitters: Uncertain significance (2). Last evaluated 2023-08-20.

Conditions:
Emery-Dreifuss muscular dystrophy (EDMD). Also called: Scapuloperoneal syndrome, X-linked (formerly); Humeroperoneal neuromuscular disease, (formerly). Identifiers: Orphanet 261, MedGen C0410189, MONDO:0016830.

Allele frequency attached by ClinVar (database versions not stated): TOPMed 0.00002; 1000 Genomes Project 30x 0.00016; 1000 Genomes Project 0.00020.
gnomAD v4.1: 11 of 1,613,778 alleles (0.00068%); highest among the groups gnomAD compares: East Asian, 0.011%; no homozygotes.

Submissions (2):

Ambry Genetics
Classification: Uncertain significance. Last evaluated: 2023-08-20. Review status: criteria provided, single submitter. Criteria: Ambry Variant Classification Scheme 2023. Collection method: clinical testing. Allele origin: germline.

Labcorp Genetics (formerly Invitae), Labcorp
Classification: Uncertain significance for Emery-Dreifuss muscular dystrophy. Last evaluated: 2023-03-01. Review status: criteria provided, single submitter. Criteria: Invitae Variant Classification Sherloc (09022015). Collection method: clinical testing. Allele origin: germline.
Comment: This sequence change replaces aspartic acid, which is acidic and polar, with glutamic acid, which is acidic and polar, at codon 510 of the SUN1 protein (p.Asp510Glu). This variant is present in population databases (rs369720300, gnomAD 0.03%). This variant has not been reported in the literature in individuals affected with SUN1-related conditions. ClinVar contains an entry for this variant (Variation ID: 943395). An algorithm developed to predict the effect of missense changes on protein structure and function (PolyPhen-2) suggests that this variant is likely to be disruptive. In summary, the available evidence is currently insufficient to determine the role of this variant in disease. Therefore, it has been classified as a Variant of Uncertain Significance.

NM_001130965.3(SUN1):c.1530C>A (p.Asp510Glu)

Gene: SUN1 (Sad1 and UNC84 domain containing 1; plus strand). Cytogenetic location: 7p22.3.
Variant type: single nucleotide variant.
Coding change: c.1530C>A on transcript NM_001130965.3 (MANE Select); coding-DNA position 1530, C replaced by A.
Protein change: p.Asp510Glu; replaces aspartic acid 510 with glutamic acid.
Molecular consequence: missense variant. On other transcripts: non-coding transcript variant (3).
Genome position (GRCh38, 1-based): chr7:860,133, C>A. VCF-style: chr7-860133-C-A. GRCh37 (hg19) VCF-style: chr7-899770-C-A.
Other names: c.1572C>A, p.Asp524Glu (NM_001367647.1, NM_001367668.1); c.1392C>A, p.Asp464Glu (NM_001367648.1); c.1575C>A, p.Asp525Glu (NM_001367649.1); c.1944C>A, p.Asp648Glu (NM_001367651.1); c.1530C>A, p.Asp510Glu (NM_001367653.1, NM_001367633.1, NM_001367634.1); c.1740C>A, p.Asp580Glu (NM_001367655.1, NM_001367700.1); c.816C>A, p.Asp272Glu (NM_001367658.1); c.1347C>A, p.Asp449Glu (NM_001367660.1); and 43 more; short protein forms D357E, D407E, D459E, D460E, D497E, D519E, D571E, D580E.
Identifiers: ClinVar variation 943395 (VCV000943395.7), dbSNP rs369720300, ClinGen allele CA4112291.